The following is an entry in ClinVar:

NM_000059.4(BRCA2):c.2967_2968insGCCGGGCGCGGTGGCTCACGCCTGTAATCCCAGCACTTTGGGAGGCCGAGGCGGGCGGATCACGAGGTCAGGANNNNNNNNNNAAAAAAAAAAAAAAAAAAAAAAAAAAATAATGATTAC (p.Met990delinsAlaGlyArgGlyGlySerArgLeuTer)

Gene: BRCA2 (BRCA2 DNA repair associated; plus strand). Cytogenetic location: 13q13.1.
Variant type: Microsatellite.
Coding change: c.2967_2968insGCCGGGCGCGGTGGCTCACGCCTGTAATCCCAGCACTTTGGGAGGCCGAGGCGGGCGGATCACGAGGTCAGGANNNNNNNNNNAAAAAAAAAAAAAAAAAAAAAAAAAAATAATGATTAC on transcript NM_000059.4 (MANE Select); coding-DNA positions 2967 to 2968, GCCGGGCGCGGTGGCTCACGCCTGTAATCCCAGCACTTTGGGAGGCCGAGGCGGGCGGATCACGAGGTCAGGANNNNNNNNNNAAAAAAAAAAAAAAAAAAAAAAAAAAATAATGATTAC inserted.
Protein change: p.Met990delinsAlaGlyArgGlyGlySerArgLeuTer.
Molecular consequence: nonsense. On other transcripts: frameshift variant (2).
Genome position: GRCh38: chr13:32,337,306-32,337,322. GRCh37 (hg19): chr13:32,911,443-32,911,459.
Other names: c.2951_2967A[7][1], p.Asn986Lysfs (NM_001406719.1, NM_001406720.1).
Identifiers: ClinVar variation 2119118 (VCV002119118.4).

ClinVar aggregate classification (germline): Pathogenic (1 of 4 stars; one submission).

Conditions:
Hereditary breast ovarian cancer syndrome. Also called: Hereditary breast and ovarian cancer syndrome (HBOC); Hereditary breast and/or ovarian cancer syndrome; Hereditary breast and ovarian cancer; BRCA1- and BRCA2-Associated Hereditary Breast and Ovarian Cancer; Breast and ovarian cancer; Hereditary breast and ovarian cancer syndrome. Identifiers: Orphanet 145, MedGen C0677776, MeSH D061325, MONDO:0003582. Disease mechanism: loss of function.

Submission:

Labcorp Genetics (formerly Invitae), Labcorp
Classification: Pathogenic for Hereditary breast ovarian cancer syndrome. Last evaluated: 2024-02-24. Review status: criteria provided, single submitter. Criteria: Invitae Variant Classification Sherloc (09022015). Collection method: clinical testing. Allele origin: germline.
Comment: This sequence change inserts a large fragment of DNA, likely a transposable element, in exon 11 of the BRCA2 gene (c.2967_2968ins?), causing a frameshift at codon 989 (p.Tyr989fs). The exact size and sequence of the insertion cannot be determined by the current assay. However, the insertion is expected to result in an absent or disrupted protein product. This variant is not present in population databases (gnomAD no frequency). This variant has not been reported in the literature in individuals affected with BRCA2-related conditions. Retrotransposon insertions including LINE1 (L1), Alu, and SVA (SINE-VNTR-Alu) have been reported to be disease-causing through disruption of either a coding region or splice site (PMID: 19763152, 20307669, 22406018) and loss-of-function variants in BRCA2 are known to be pathogenic (PMID: 20104584). For these reasons, this variant has been classified as Pathogenic.

Literature cited by the submitters: PubMed 19763152; PubMed 20307669; PubMed 22406018; PubMed 20104584.